The following is an entry in ClinVar:

NM_005857.5(ZMPSTE24):c.431A>G (p.Tyr144Cys)

Gene: ZMPSTE24 (zinc metallopeptidase STE24; plus strand). Cytogenetic location: 1p34.2.
Variant type: single nucleotide variant.
Coding change: c.431A>G on transcript NM_005857.5 (MANE Select); coding-DNA position 431, A replaced by G.
Protein change: p.Tyr144Cys; replaces tyrosine 144 with cysteine.
Molecular consequence: missense variant.
Genome position (GRCh38, 1-based): chr1:40,268,492, A>G. VCF-style: chr1-40268492-A-G. GRCh37 (hg19) VCF-style: chr1-40734164-A-G.
Other names: short protein forms Y144C.
Identifiers: ClinVar variation 1905122 (VCV001905122.5), dbSNP rs2522360929, ClinGen allele CA339867368.

ClinVar aggregate classification (germline): Uncertain significance (1 of 4 stars; one submission).

Allele frequency attached by ClinVar (database versions not stated): gnomAD exomes 0.00001.
gnomAD v4.1: 9 of 1,612,650 alleles (0.00056%); highest among the groups gnomAD compares: Non-Finnish European, 0.00076%; no homozygotes.

Submission:

Labcorp Genetics (formerly Invitae), Labcorp
Classification: Uncertain significance. Last evaluated: 2024-02-24. Review status: criteria provided, single submitter. Criteria: Invitae Variant Classification Sherloc (09022015). Collection method: clinical testing. Allele origin: germline.
Comment: This sequence change replaces tyrosine, which is neutral and polar, with cysteine, which is neutral and slightly polar, at codon 144 of the ZMPSTE24 protein (p.Tyr144Cys). This variant is not present in population databases (gnomAD no frequency). This variant has not been reported in the literature in individuals affected with ZMPSTE24-related conditions. ClinVar contains an entry for this variant (Variation ID: 1905122). Advanced modeling of protein sequence and biophysical properties (such as structural, functional, and spatial information, amino acid conservation, physicochemical variation, residue mobility, and thermodynamic stability) performed at Invitae indicates that this missense variant is expected to disrupt ZMPSTE24 protein function with a positive predictive value of 80%. In summary, the available evidence is currently insufficient to determine the role of this variant in disease. Therefore, it has been classified as a Variant of Uncertain Significance.